The following is an entry in ClinVar:

ClinVar aggregate classification (germline): Likely benign. Review status: criteria provided, single submitter (1 of 4 stars). 2 submissions from 2 submitters: Likely benign (1). 1 of the submissions does not count toward it. Last evaluated 2024-01-03.

Conditions:
ARL6-related disorder. Also called: ARL6-related condition.
Bardet-Biedl syndrome 3 (BBS3). Identifiers: Orphanet 110, MedGen C1859564, MONDO:0010832, OMIM 600151.
Retinitis pigmentosa 55 (RP55). Identifiers: Orphanet 791, MedGen C3150808, MONDO:0013312, OMIM 613575.

Allele frequency attached by ClinVar (database versions not stated): gnomAD 0.00002.
gnomAD v4.1: 9 of 1,612,896 alleles (0.00056%); highest among the groups gnomAD compares: South Asian, 0.0033%; no homozygotes.

Submissions (2):

Labcorp Genetics (formerly Invitae), Labcorp
Classification: Likely benign for Retinitis pigmentosa 55; Bardet-Biedl syndrome 3. Last evaluated: 2024-01-03. Review status: criteria provided, single submitter. Criteria: Invitae Variant Classification Sherloc (09022015). Collection method: clinical testing. Allele origin: germline.

PreventionGenetics, part of Exact Sciences
Classification: Likely benign for ARL6-related condition. Last evaluated: 2020-09-29. Review status: no assertion criteria provided. Collection method: clinical testing. Allele origin: germline. Not counted in ClinVar's aggregate classification.
Comment: This variant is classified as likely benign based on ACMG/AMP sequence variant interpretation guidelines (Richards et al. 2015 PMID: 25741868, with internal and published modifications).

NM_001278293.3(ARL6):c.480-15T>C

Gene: ARL6 (ARF like GTPase 6; plus strand). Cytogenetic location: 3q11.2.
Variant type: single nucleotide variant.
Coding change: c.480-15T>C on transcript NM_001278293.3 (MANE Select); 15 bases into the intron before coding-DNA position 480, T replaced by C.
Molecular consequence: intron variant. On other transcripts: non-coding transcript variant (2).
Genome position (GRCh38, 1-based): chr3:97,791,756, T>C. VCF-style: chr3-97791756-T-C. GRCh37 (hg19) VCF-style: chr3-97510600-T-C.
Other names: c.480-15T>C (NM_032146.5, NM_177976.3, NM_001323513.2); c.479+3637T>C (NM_001323514.2).
Identifiers: ClinVar variation 2925804 (VCV002925804.4), dbSNP rs977938918, ClinGen allele CA79494736.